The following is an entry in ClinVar:

NM_015102.5(NPHP4):c.1418G>T (p.Arg473Met)

Gene: NPHP4 (nephrocystin 4; minus strand). Cytogenetic location: 1p36.31.
Variant type: single nucleotide variant.
Coding change: c.1418G>T on transcript NM_015102.5 (MANE Select); coding-DNA position 1418, G replaced by T.
Protein change: p.Arg473Met; replaces arginine 473 with methionine.
Molecular consequence: missense variant. On other transcripts: nonsense (2), non-coding transcript variant (1).
Genome position (GRCh38, 1-based): chr1:5,927,672, C>A on the plus strand (G>T on the coding strand, the complement: NPHP4 is on the minus strand). VCF-style: chr1-5927672-C-A. GRCh37 (hg19) VCF-style: chr1-5987732-C-A.
Other names: c.1418G>T (NM_015102.3); c.52G>T, p.Gly18Ter (NM_001291593.2, NM_001291594.2); c.52G>T (NM_001291594.1); short protein forms G18*, R473M.
Identifiers: ClinVar variation 500561 (VCV000500561.12), dbSNP rs754829412, ClinGen allele CA554526.

ClinVar aggregate classification (germline): Uncertain significance. Review status: criteria provided, multiple submitters, no conflicts (2 of 4 stars). 5 submissions from 5 submitters: Uncertain significance (5). Last evaluated 2025-06-04.

Conditions:
NPHP4-related disorder. Also called: NPHP4-related disorders; NPHP4-related condition. Identifiers: MedGen CN239384.
Nephronophthisis. Also called: Juvenile Nephronophthisis. Identifiers: Orphanet 655, MedGen C0687120, MONDO:0019005, HP:0000090.
Inborn genetic diseases. Identifiers: MedGen C0950123, MeSH D030342.
Senior-Loken syndrome 4 (SLSN4). Identifiers: Orphanet 3156, MedGen C1846979, MONDO:0011756, OMIM 606996.
Nephronophthisis 4 (NPHP4). Also called: NEPHRONOPHTHISIS 4, JUVENILE. Identifiers: Orphanet 655, MedGen C1847013, MONDO:0011752, OMIM 606966.

Allele frequency attached by ClinVar (database versions not stated): TOPMed below 0.00001; gnomAD exomes 0.00001 and 0.00002; ExAC 0.00004.
gnomAD v4.1: 6 of 1,611,760 alleles (0.00037%); highest among the groups gnomAD compares: Admixed American, 0.01%; no homozygotes.

Submissions (5):

Ambry Genetics
Classification: Uncertain significance for Inborn genetic diseases. Last evaluated: 2025-06-04. Review status: criteria provided, single submitter. Criteria: Ambry Variant Classification Scheme 2023. Collection method: clinical testing. Allele origin: germline.

PreventionGenetics, part of Exact Sciences
Classification: Uncertain significance for NPHP4-related condition. Last evaluated: 2024-12-30. Review status: criteria provided, single submitter. Criteria: ACMG Guidelines, 2015. Collection method: clinical testing. Allele origin: germline.
Comment: The NPHP4 c.52G>T variant is predicted to result in premature protein termination (p.Gly18*). Using an alternate transcript, NM_015102, this variant is also referred to as c.1418G>T (p.Arg473Met). To our knowledge, this variant has not been reported in the literature. This variant is reported in 0.017% of alleles in individuals of Latino descent in gnomAD. At this time, the clinical significance of this variant is uncertain due to the absence of conclusive functional and genetic evidence.

Labcorp Genetics (formerly Invitae), Labcorp
Classification: Uncertain significance for Nephronophthisis. Last evaluated: 2022-08-09. Review status: criteria provided, single submitter. Criteria: Invitae Variant Classification Sherloc (09022015). Collection method: clinical testing. Allele origin: germline.
Comment: This sequence change replaces arginine, which is basic and polar, with methionine, which is neutral and non-polar, at codon 473 of the NPHP4 protein (p.Arg473Met). This variant is present in population databases (rs754829412, gnomAD 0.02%). This variant has not been reported in the literature in individuals affected with NPHP4-related conditions. ClinVar contains an entry for this variant (Variation ID: 500561). Algorithms developed to predict the effect of missense changes on protein structure and function are either unavailable or do not agree on the potential impact of this missense change (SIFT: "Deleterious"; PolyPhen-2: "Possibly Damaging"; Align-GVGD: "Class C0"). In summary, the available evidence is currently insufficient to determine the role of this variant in disease. Therefore, it has been classified as a Variant of Uncertain Significance.

Fulgent Genetics
Classification: Uncertain significance for Nephronophthisis 4; Senior-Loken syndrome 4. Last evaluated: 2021-10-23. Review status: criteria provided, single submitter. Criteria: ACMG Guidelines, 2015. Collection method: clinical testing. Allele origin: unknown.

Eurofins Ntd Llc (ga)
Classification: Uncertain significance. Last evaluated: 2017-02-23. Review status: criteria provided, single submitter. Criteria: EGL Classification Definitions 2015. Collection method: clinical testing. Allele origin: germline. Observed: 1 variant allele, 1 heterozygote.